The following is an entry in ClinVar:

ClinVar aggregate classification (germline): Likely pathogenic. Review status: criteria provided, multiple submitters, no conflicts (2 of 4 stars). 3 submissions from 3 submitters: Likely pathogenic (2). 1 of the submissions does not count toward it. Last evaluated 2025-06-27.

Conditions:
Long chain 3-hydroxyacyl-CoA dehydrogenase deficiency. Also called: LCHAD Deficiency; Deficiency of long-chain 3-hydroxyacyl-coenzyme A dehydrogenase. Identifiers: Orphanet 5, MedGen C3711645, MONDO:0012173, OMIM 609016.

Allele frequency attached by ClinVar (database versions not stated): gnomAD exomes below 0.00001; ExAC 0.00001.
gnomAD v4.1: 3 of 1,613,162 alleles (0.00019%); highest among the groups gnomAD compares: Non-Finnish European, 0.00025%; no homozygotes.

Submissions (3):

Myriad Genetics, Inc.
Classification: Likely pathogenic for Long chain 3-hydroxyacyl-CoA dehydrogenase deficiency. Last evaluated: 2025-06-27. Review status: criteria provided, single submitter. Criteria: Myriad Autosomal Dominant, Autosomal Recessive and X-Linked Classification Criteria (2023). Collection method: clinical testing. Allele origin: unknown.
Comment: NM_000182.4(HADHA):c.1493A>G(H498R) is a missense variant classified as likely pathogenic in the context of HADHA-related disorders. H498R has been observed in cases with relevant disease (PMID: 27117294, 33638202). Relevant functional assessments of this variant are not available in the literature. Internal structural analysis of the variant is supportive of pathogenicity. H498R has been observed in referenced population frequency databases. In summary, NM_000182.4(HADHA):c.1493A>G(H498R) is a missense variant that has internal structural support for pathogenicity and has been observed more frequently in cases with the relevant disease than in healthy populations. Please note: this variant was assessed in the context of healthy population screening.

Baylor Genetics
Classification: Likely pathogenic for Long chain 3-hydroxyacyl-CoA dehydrogenase deficiency. Last evaluated: 2024-02-09. Review status: criteria provided, single submitter. Criteria: ACMG Guidelines, 2015. Collection method: clinical testing. Allele origin: unknown.

Counsyl
Classification: Uncertain significance for Long chain 3-hydroxyacyl-CoA dehydrogenase deficiency. Last evaluated: 2017-11-26. Review status: no assertion criteria provided. Collection method: clinical testing. Allele origin: unknown. Not counted in ClinVar's aggregate classification.

Literature cited by the submitters: PubMed 27117294 (cited by Myriad Genetics, Inc. and Counsyl); PubMed 33638202 (cited by Myriad Genetics, Inc.).

NM_000182.5(HADHA):c.1493A>G (p.His498Arg)

Genes: GAREM2 (GRB2 associated regulator of MAPK1 subtype 2; plus strand), HADHA (hydroxyacyl-CoA dehydrogenase trifunctional multienzyme complex subunit alpha; minus strand). Cytogenetic location: 2p23.3.
Variant type: single nucleotide variant.
Coding change: c.1493A>G on transcript NM_000182.5 (MANE Select); coding-DNA position 1493, A replaced by G.
Protein change: p.His498Arg; replaces histidine 498 with arginine.
Molecular consequence: missense variant.
Genome position (GRCh38, 1-based): chr2:26,195,219, T>C on the plus strand (A>G on the coding strand, the complement: HADHA is on the minus strand). VCF-style: chr2-26195219-T-C. GRCh37 (hg19) VCF-style: chr2-26418088-T-C.
Other names: short protein forms H498R.
Identifiers: ClinVar variation 555246 (VCV000555246.4), dbSNP rs752005568, ClinGen allele CA1559551.